The following is an entry in ClinVar:

NM_000458.4(HNF1B):c.73G>T (p.Val25Leu)

Gene: HNF1B (HNF1 homeobox B; minus strand). Cytogenetic location: 17q12.
Variant type: single nucleotide variant.
Coding change: c.73G>T on transcript NM_000458.4 (MANE Select); coding-DNA position 73, G replaced by T.
Protein change: p.Val25Leu; replaces valine 25 with leucine.
Molecular consequence: missense variant.
Genome position (GRCh38, 1-based): chr17:37,744,812, C>A on the plus strand (G>T on the coding strand, the complement: HNF1B is on the minus strand). VCF-style: chr17-37744812-C-A. GRCh37 (hg19) VCF-style: chr17-36104803-C-A.
Other names: c.73G>T, p.Val25Leu (NM_001165923.4, NM_001304286.2); short protein forms V25L.
Identifiers: ClinVar variation 36852 (VCV000036852.51), dbSNP rs139107479, ClinGen allele CA214365.
Genomic context (GRCh38, chr17:37,744,812, plus strand): 5'-TCTCCAGCTTCACCCCGAAGTTCGGGGATGGCAGCAACTCCTCCAAGGCCTGAACCAGCA[C>A]CTCCTTGGTGACCCCGGAGCTCAGCAGGGCGCTCAGGAGTTCTTGCTGGAGCGACGTGAG-3'
Protein context (NP_000449.1, residues 15-35): ALLSSGVTKE[Val25Leu]LVQALEELLP

ClinVar aggregate classification (germline): Conflicting classifications of pathogenicity. Review status: criteria provided, conflicting classifications (1 of 4 stars). 13 submissions from 12 submitters: Uncertain significance (1); Benign (9); Likely benign (3). Last evaluated 2026-07-01.

Conditions:
Maturity-onset diabetes of the young (MODY). Also called: Maturity onset diabetes mellitus in young. Identifiers: Orphanet 552, MedGen C0342276, MONDO:0018911, HP:0004904.
Nonpapillary renal cell carcinoma. Identifiers: Orphanet 422526, MedGen CN074294, MONDO:0007763, OMIM 144700.
Renal cysts and diabetes syndrome (RCAD). Also called: MATURITY-ONSET DIABETES OF THE YOUNG, TYPE 5; Familial hypoplastic, glomerulocystic kidney. Identifiers: Orphanet 93111, MedGen C0431693, MONDO:0007669, OMIM 137920.

Allele frequency attached by ClinVar (database versions not stated): TOPMed 0.00032; gnomAD 0.00127 and 0.00015; gnomAD exomes 0.00460 and 0.00217; ESP Exome Variant Server 0.00015; ExAC 0.00540; 1000 Genomes Project 30x 0.00750; 1000 Genomes Project 0.00799.
gnomAD v4.1: 3,388 of 1,613,566 alleles (0.21%); highest among the groups gnomAD compares: South Asian, 3.4%; 81 homozygotes.

Submissions (13):

CeGaT Center for Human Genetics Tuebingen
Classification: Benign. Last evaluated: 2026-07-01. Review status: criteria provided, single submitter. Criteria: CeGaT Center For Human Genetics Tuebingen Variant Classification Criteria Version 2. Collection method: clinical testing. Allele origin: germline. Affected: yes. Observed: 5 variant alleles.
Comment: HNF1B: BS1, BS2

Labcorp Genetics (formerly Invitae), Labcorp
Classification: Benign. Last evaluated: 2026-01-13. Review status: criteria provided, single submitter. Criteria: Invitae Variant Classification Sherloc (09022015). Collection method: clinical testing. Allele origin: germline.

ARUP Laboratories, Molecular Genetics and Genomics, ARUP Laboratories
Classification: Benign. Last evaluated: 2025-05-15. Review status: criteria provided, single submitter. Criteria: ARUP Molecular Germline Variant Investigation Process 2024. Collection method: clinical testing. Allele origin: germline.

KCCC/NGS Laboratory, Kuwait Cancer Control Center
Classification: Benign for Renal cysts and diabetes syndrome. Last evaluated: 2025-02-01. Review status: criteria provided, single submitter. Criteria: ACMG Guidelines, 2015. Collection method: clinical testing. Allele origin: germline. Affected: no.

Blueprint Genetics
Classification: Likely benign. Last evaluated: 2024-11-25. Review status: criteria provided, single submitter. Criteria: ACMG Guidelines, 2015. Collection method: clinical testing. Allele origin: germline.

KCCC/NGS Laboratory, Kuwait Cancer Control Center
Classification: Benign for Nonpapillary renal cell carcinoma. Last evaluated: 2023-07-07. Review status: criteria provided, single submitter. Criteria: ACMG Guidelines, 2015. Collection method: clinical testing. Allele origin: germline. Affected: yes.

Ambry Genetics
Classification: Benign for Maturity-onset diabetes of the young. Last evaluated: 2017-11-16. Review status: criteria provided, single submitter. Criteria: Ambry Variant Classification Scheme 2023. Collection method: clinical testing. Allele origin: germline.

Genetic Services Laboratory, University of Chicago
Classification: Benign. Last evaluated: 2017-08-17. Review status: criteria provided, single submitter. Criteria: ACMG Guidelines, 2015. Collection method: clinical testing. Allele origin: germline. Affected: no.

Illumina Laboratory Services, Illumina
Classification: Likely benign for Renal cysts and diabetes syndrome. Last evaluated: 2017-04-27. Review status: criteria provided, single submitter. Criteria: ICSL Variant Classification Criteria 13 December 2019. Collection method: clinical testing. Allele origin: germline.
Comment: This variant was observed as part of a predisposition screen in an ostensibly healthy population. A literature search was performed for the gene, cDNA change, and amino acid change (where applicable). No publications were found based on this search. Allele frequency data from public databases allowed determination this variant is unlikely to cause disease. Therefore, this variant is classified as likely benign.

GeneDx
Classification: Benign. Last evaluated: 2016-08-08. Review status: criteria provided, single submitter. Criteria: GeneDx Variant Classification (06012015). Collection method: clinical testing. Allele origin: germline. Affected: yes.
Comment: This variant is considered likely benign or benign based on one or more of the following criteria: it is a conservative change, it occurs at a poorly conserved position in the protein, it is predicted to be benign by multiple in silico algorithms, and/or has population frequency not consistent with disease.

Eurofins Ntd Llc (ga)
Classification: Benign. Last evaluated: 2015-08-27. Review status: criteria provided, single submitter. Criteria: EGL Classification Definitions 2015. Collection method: clinical testing. Allele origin: germline. Observed: 1 variant allele, 1 heterozygote.

Women's Health and Genetics/Laboratory Corporation of America, LabCorp
Classification: Likely benign for MODY5/RCAD. Last evaluated: 2011-08-18. Review status: criteria provided, single submitter. Criteria: LabCorp Variant Classification Summary - May 2015. Collection method: curation, clinical testing. Allele origin: germline. Inheritance: autosomal unknown. Affected: yes. Observed: 3 variant alleles.
ClinVar note: Converted during submission from likely benign to Likely benign.

Clinical Genomics, Uppaluri K&H Personalized Medicine Clinic
Classification: Uncertain significance for Maturity-onset diabetes of the young. Review status: criteria provided, single submitter. Criteria: K & H Uppaluri Personalized Medicine Clinic Variant Classification & Assertion Criteria_Updated V.1. Collection method: research. Allele origin: somatic. Inheritance: Autosomal dominant inheritance.
Comment: Mutations in HNF1B gene are generally associated with early onset diabetes and pancreatic atrophy. It is also associated with multiple renal manifestations including renal cysts, Tubulointerstitial disease, glomerulocystic disease, renal hypoplasia, hypomagnesemia. However, no sufficient evidence is found for the role of this particular variant (rs139107479) of HNF1B in Diabetes Mellitus or MODY yet.

Literature cited by the submitters: PubMed 20603712 (cited by Women's Health and Genetics/Laboratory Corporation of America, LabCorp); PubMed 15930087 (cited by Women's Health and Genetics/Laboratory Corporation of America, LabCorp); PubMed 19389850 (cited by Women's Health and Genetics/Laboratory Corporation of America, LabCorp); PubMed 33259036 (cited by Clinical Genomics, Uppaluri K&H Personalized Medicine Clinic); PubMed 31825128 (cited by Clinical Genomics, Uppaluri K&H Personalized Medicine Clinic).